The following is an entry in ClinVar:

NM_006121.4(KRT1):c.1028G>A (p.Arg343His)

Gene: KRT1 (keratin 1; minus strand). Cytogenetic location: 12q13.13.
Variant type: single nucleotide variant.
Coding change: c.1028G>A on transcript NM_006121.4 (MANE Select); coding-DNA position 1028, G replaced by A.
Protein change: p.Arg343His; replaces arginine 343 with histidine.
Molecular consequence: missense variant.
Genome position (GRCh38, 1-based): chr12:52,677,416, C>T on the plus strand (G>A on the coding strand, the complement: KRT1 is on the minus strand). VCF-style: chr12-52677416-C-T. GRCh37 (hg19) VCF-style: chr12-53071200-C-T.
Other names: short protein forms R343H.
Identifiers: ClinVar variation 4745823 (VCV004745823.1).

ClinVar aggregate classification (germline): Uncertain significance (1 of 4 stars; one submission).

Submission:

Labcorp Genetics (formerly Invitae), Labcorp
Classification: Uncertain significance. Last evaluated: 2025-04-18. Review status: criteria provided, single submitter. Criteria: Invitae Variant Classification Sherloc (09022015). Collection method: clinical testing. Allele origin: germline.
Comment: This sequence change replaces arginine, which is basic and polar, with histidine, which is basic and polar, at codon 343 of the KRT1 protein (p.Arg343His). This variant is not present in population databases (gnomAD no frequency). This variant has not been reported in the literature in individuals affected with KRT1-related conditions. Invitae Evidence Modeling of protein sequence and biophysical properties (such as structural, functional, and spatial information, amino acid conservation, physicochemical variation, residue mobility, and thermodynamic stability) has been performed for this missense variant. However, the output from this modeling did not meet the statistical confidence thresholds required to predict the impact of this variant on KRT1 protein function. In summary, the available evidence is currently insufficient to determine the role of this variant in disease. Therefore, it has been classified as a Variant of Uncertain Significance.